The following is an entry in ClinVar:

NM_005216.5(DDOST):c.168G>A (p.Glu56=)

Gene: DDOST (dolichyl-diphosphooligosaccharide--protein glycosyltransferase non-catalytic subunit; minus strand). Cytogenetic location: 1p36.12.
Variant type: single nucleotide variant.
Coding change: c.168G>A on transcript NM_005216.5 (MANE Select); coding-DNA position 168, G replaced by A.
Protein change: p.Glu56=; no amino-acid change (glutamic acid 56 retained).
Molecular consequence: synonymous variant.
Genome position (GRCh38, 1-based): chr1:20,660,978, C>T on the plus strand (G>A on the coding strand, the complement: DDOST is on the minus strand). VCF-style: chr1-20660978-C-T. GRCh37 (hg19) VCF-style: chr1-20987471-C-T.
Identifiers: ClinVar variation 295157 (VCV000295157.10), dbSNP rs747449468, ClinGen allele CA661334.

ClinVar aggregate classification (germline): Likely benign. Review status: criteria provided, multiple submitters, no conflicts (2 of 4 stars). 2 submissions from 2 submitters: Likely benign (2). Last evaluated 2026-06-09.

Conditions:
Congenital disorder of glycosylation type Ir (CDG1R). Also called: DDOST-congenital disorder of glycosylation. Identifiers: Orphanet 300536, MedGen C3281084, MONDO:0013789, OMIM 614507.
DDOST-related disorder. Also called: DDOST-related condition.

Allele frequency attached by ClinVar (database versions not stated): gnomAD exomes 0.00001; ExAC 0.00002; TOPMed 0.00002.
gnomAD v4.1: 9 of 1,613,114 alleles (0.00056%); highest among the groups gnomAD compares: Non-Finnish European, 0.00068%; no homozygotes.

Submissions (2):

PreventionGenetics, part of Exact Sciences
Classification: Likely benign for DDOST-related condition. Last evaluated: 2026-06-09. Review status: criteria provided, single submitter. Criteria: ACMG Guidelines, 2015. Collection method: clinical testing. Allele origin: germline.
Comment: This variant is classified as likely benign based on ACMG/AMP sequence variant interpretation guidelines (Richards et al. 2015 PMID: 25741868, with internal and published modifications).

Labcorp Genetics (formerly Invitae), Labcorp
Classification: Likely benign for Congenital disorder of glycosylation type Ir. Last evaluated: 2025-09-03. Review status: criteria provided, single submitter. Criteria: Invitae Variant Classification Sherloc (09022015). Collection method: clinical testing. Allele origin: germline.